The following is an entry in ClinVar:

ClinVar aggregate classification (germline): Uncertain significance. Review status: criteria provided, multiple submitters, no conflicts (2 of 4 stars). 2 submissions from 2 submitters: Uncertain significance (2). Last evaluated 2025-03-27.

Conditions:
Bloom syndrome (BLM). Also called: Bloom-Torre-Machacek syndrome. Identifiers: Orphanet 125, MedGen C0005859, MONDO:0008876, OMIM 210900.

Allele frequency attached by ClinVar (database versions not stated): gnomAD exomes 0.00001.
gnomAD v4.1: 3 of 1,611,888 alleles (0.00019%); highest among the groups gnomAD compares: Admixed American, 0.005%; no homozygotes.

Submissions (2):

Labcorp Genetics (formerly Invitae), Labcorp
Classification: Uncertain significance for Bloom syndrome. Last evaluated: 2025-03-27. Review status: criteria provided, single submitter. Criteria: Invitae Variant Classification Sherloc (09022015). Collection method: clinical testing. Allele origin: germline.
Comment: This sequence change replaces proline, which is neutral and non-polar, with leucine, which is neutral and non-polar, at codon 172 of the BLM protein (p.Pro172Leu). This variant is present in population databases (no rsID available, gnomAD 0.009%). This variant has not been reported in the literature in individuals affected with BLM-related conditions. ClinVar contains an entry for this variant (Variation ID: 2682146). An algorithm developed to predict the effect of missense changes on protein structure and function outputs the following: PolyPhen-2: "Benign". The leucine amino acid residue is found in multiple mammalian species, which suggests that this missense change does not adversely affect protein function. In summary, the available evidence is currently insufficient to determine the role of this variant in disease. Therefore, it has been classified as a Variant of Uncertain Significance.

Quest Diagnostics Nichols Institute San Juan Capistrano
Classification: Uncertain significance. Last evaluated: 2022-09-30. Review status: criteria provided, single submitter. Criteria: Quest Diagnostics criteria. Collection method: clinical testing. Allele origin: unknown.
Comment: This variant has not been reported in the published literature. The frequency of this variant in the general population, 0.000087 (3/34346 chromosomes), is uninformative in assessment of its pathogenicity. Analysis of this variant using bioinformatics tools for the prediction of the effect of amino acid changes on protein structure and function yielded predictions that this variant is benign. Based on the available information, we are unable to determine the clinical significance of this variant.

NM_000057.4(BLM):c.515C>T (p.Pro172Leu)

Gene: BLM (BLM RecQ like helicase; plus strand). Cytogenetic location: 15q26.1.
Variant type: single nucleotide variant.
Coding change: c.515C>T on transcript NM_000057.4 (MANE Select); coding-DNA position 515, C replaced by T.
Protein change: p.Pro172Leu; replaces proline 172 with leucine.
Molecular consequence: missense variant. On other transcripts: 5 prime UTR variant (1).
Genome position (GRCh38, 1-based): chr15:90,749,783, C>T. VCF-style: chr15-90749783-C-T. GRCh37 (hg19) VCF-style: chr15-91293013-C-T.
Other names: c.515C>T, p.Pro172Leu (NM_001287246.2, NM_001287247.2); c.-777C>T (NM_001287248.2); short protein forms P172L.
Identifiers: ClinVar variation 2682146 (VCV002682146.2), dbSNP rs1366240473, ClinGen allele CA393840954.
Genomic context (GRCh38, chr15:90,749,783, plus strand): 5'-ATGATTGGGATGATATGGATGACTTTGATACTTCTGAGACTTCAAAATCATTTGTTACAC[C>T]ACCCCAAAGTCACTTTGTAAGAGTAAGCACTGCTCAGAAATCAAAAAAGGGTAAGAGAAA-3'
Protein context (NP_000048.1, residues 162-182): TSETSKSFVT[Pro172Leu]PQSHFVRVST